The following is an entry in ClinVar:

NM_000135.4(FANCA):c.3018G>T (p.Leu1006Phe)

Gene: FANCA (FA complementation group A; minus strand). Cytogenetic location: 16q24.3.
Variant type: single nucleotide variant.
Coding change: c.3018G>T on transcript NM_000135.4 (MANE Select); coding-DNA position 3018, G replaced by T.
Protein change: p.Leu1006Phe; replaces leucine 1006 with phenylalanine.
Molecular consequence: missense variant.
Genome position (GRCh38, 1-based): chr16:89,752,186, C>A on the plus strand (G>T on the coding strand, the complement: FANCA is on the minus strand). VCF-style: chr16-89752186-C-A. GRCh37 (hg19) VCF-style: chr16-89818594-C-A.
Other names: c.3018G>T, p.Leu1006Phe (NM_001286167.3); short protein forms L1006F.
Identifiers: ClinVar variation 1692212 (VCV001692212.1), dbSNP rs1439833580, ClinGen allele CA16622084.

ClinVar aggregate classification (germline): Uncertain significance (1 of 4 stars; one submission).

Conditions:
Fanconi anemia (FA). Also called: Fanconi's anemia. Identifiers: Orphanet 84, MedGen C0015625, MeSH D005199, MONDO:0019391.

Allele frequency attached by ClinVar (database versions not stated): gnomAD exomes below 0.00001 and 0.00001.
gnomAD v4.1: 3 of 1,614,122 alleles (0.00019%); highest among the groups gnomAD compares: Non-Finnish European, 0.00025%; no homozygotes.

Submission:

Sema4
Classification: Uncertain significance for Fanconi anemia. Last evaluated: 2021-08-12. Review status: criteria provided, single submitter. Criteria: Sema4 Curation Guidelines. Collection method: curation. Allele origin: germline.
Comment: The FANCA c.3018G>T (p.L1006F) variant has not been reported in the literature to our knowledge. It was observed in 1/113758 chromosomes of the Non-Finnish European subpopulation in the large and broad cohorts of the Genome Aggregation Database (PMID: 32461654). The variant has not been reported in ClinVar. Functional studies have not been performed, and in silico predictions of the variant's effect on protein function are inconclusive. The evidence is insufficient to meet ACMG/AMP criteria for classifying the variant as benign or pathogenic. Thus, the clinical significance of this variant is currently uncertain.